The following is an entry in ClinVar:

ClinVar aggregate classification (germline): Uncertain significance (1 of 4 stars; one submission).

Submission:

Labcorp Genetics (formerly Invitae), Labcorp
Classification: Uncertain significance. Last evaluated: 2021-10-14. Review status: criteria provided, single submitter. Criteria: Invitae Variant Classification Sherloc (09022015). Collection method: clinical testing. Allele origin: germline.
Comment: In summary, the available evidence is currently insufficient to determine the role of this variant in disease. Therefore, it has been classified as a Variant of Uncertain Significance. Algorithms developed to predict the effect of missense changes on protein structure and function (SIFT, PolyPhen-2, Align-GVGD) all suggest that this variant is likely to be disruptive. This variant has not been reported in the literature in individuals affected with SYT2-related conditions. This variant is not present in population databases (ExAC no frequency). This sequence change replaces proline with leucine at codon 185 of the SYT2 protein (p.Pro185Leu). The proline residue is highly conserved and there is a moderate physicochemical difference between proline and leucine.

NM_177402.5(SYT2):c.554C>T (p.Pro185Leu)

Gene: SYT2 (synaptotagmin 2; minus strand). Cytogenetic location: 1q32.1.
Variant type: single nucleotide variant.
Coding change: c.554C>T on transcript NM_177402.5 (MANE Select); coding-DNA position 554, C replaced by T.
Protein change: p.Pro185Leu; replaces proline 185 with leucine.
Molecular consequence: missense variant.
Genome position (GRCh38, 1-based): chr1:202,602,457, G>A on the plus strand (C>T on the coding strand, the complement: SYT2 is on the minus strand). VCF-style: chr1-202602457-G-A. GRCh37 (hg19) VCF-style: chr1-202571585-G-A.
Other names: c.554C>T, p.Pro185Leu (NM_001136504.1); short protein forms P185L.
Identifiers: ClinVar variation 1466017 (VCV001466017.6), dbSNP rs2149068967, ClinGen allele CA344258044.
Genomic context (GRCh38, chr1:202,602,457, plus strand): 5'-TTGAAGGCAGGGTTCAGTGTCTTCCGATGGACTTTGGTCTCATATTTCTTCTTCTTGTCA[G>A]GAAGGAGGAAGACCTTGACATAAGGGTCTGAGGTGCCTCCCATGTCCAGGGCAGGCAGTT-3'
Protein context (NP_796376.2, residues 175-195): SDPYVKVFLL[Pro185Leu]DKKKKYETKV